The following is an entry in ClinVar:

NM_058004.4(PI4KA):c.5116+49T>G

Gene: PI4KA (phosphatidylinositol 4-kinase alpha; minus strand). Cytogenetic location: 22q11.21.
Variant type: single nucleotide variant.
Coding change: c.5116+49T>G on transcript NM_058004.4 (MANE Select); 49 bases into the intron after coding-DNA position 5116, T replaced by G.
Molecular consequence: intron variant.
Genome position (GRCh38, 1-based): chr22:20,721,249, A>C on the plus strand (T>G on the coding strand, the complement: PI4KA is on the minus strand). VCF-style: chr22-20721249-A-C. GRCh37 (hg19) VCF-style: chr22-21075537-A-C.
Other names: c.5050+49T>G (NM_001362863.2); c.5023+49T>G (NM_001362862.2).
Identifiers: ClinVar variation 1281760 (VCV001281760.6), dbSNP rs5751800, ClinGen allele CA10114815.

ClinVar aggregate classification (germline): Benign. Review status: criteria provided, multiple submitters, no conflicts (2 of 4 stars). 4 submissions from 4 submitters: Benign (4). Last evaluated 2024-01-24.

Conditions:
Polymicrogyria, perisylvian, with cerebellar hypoplasia and arthrogryposis (NEDSPLB). Identifiers: MedGen C4225295, MONDO:0014679, OMIM 616531.

Allele frequency attached by ClinVar (database versions not stated): ExAC 0.37510; gnomAD 0.37959 and 0.37977; ESP Exome Variant Server 0.38298; TOPMed 0.40253; 1000 Genomes Project 0.40895; 1000 Genomes Project 30x 0.41162.
gnomAD v4.1: 592,963 of 1,603,598 alleles (37%); highest among the groups gnomAD compares: Admixed American, 48%; 111,849 homozygotes.

Submissions (4):

Unidad de Genómica Garrahan, Hospital de Pediatría Garrahan
Classification: Benign. Last evaluated: 2024-01-24. Review status: criteria provided, single submitter. Criteria: ACMG Guidelines, 2015. Collection method: clinical testing. Allele origin: germline. Affected: no. Observed: 63 variant alleles.
Comment: This variant is classified as Benign based on local population frequency. This variant was detected in 66% of patients studied by a panel of primary immunodeficiencies. Number of patients: 63. Only high quality variants are reported.

Genome-Nilou Lab
Classification: Benign for Polymicrogyria, perisylvian, with cerebellar hypoplasia and arthrogryposis. Last evaluated: 2021-09-05. Review status: criteria provided, single submitter. Criteria: ACMG Guidelines, 2015. Collection method: clinical testing. Allele origin: germline. Affected: no.

GeneDx
Classification: Benign. Last evaluated: 2018-07-09. Review status: criteria provided, single submitter. Criteria: GeneDx Variant Classification Process June 2021. Collection method: clinical testing. Allele origin: germline. Affected: yes.

Breakthrough Genomics
Classification: Benign. Review status: criteria provided, single submitter. Criteria: ACMG Guidelines, 2015. Collection method: not provided. Allele origin: germline. Inheritance: Autosomal recessive inheritance. Affected: yes.